The following is an entry in ClinVar:

ClinVar aggregate classification (germline): Likely benign (1 of 4 stars; one submission).

Submission:

GeneDx
Classification: Likely benign. Last evaluated: 2018-01-18. Review status: criteria provided, single submitter. Criteria: GeneDx Variant Classification (06012015). Collection method: clinical testing. Allele origin: germline. Affected: yes.
Comment: This variant is considered likely benign or benign based on one or more of the following criteria: it is a conservative change, it occurs at a poorly conserved position in the protein, it is predicted to be benign by multiple in silico algorithms, and/or has population frequency not consistent with disease.

NM_001099922.3(ALG13):c.2369-4_2369-3del

Gene: ALG13 (ALG13 UDP-N-acetylglucosaminyltransferase subunit; plus strand). Cytogenetic location: Xq23.
Variant type: Deletion.
Coding change: c.2369-4_2369-3del on transcript NM_001099922.3 (MANE Select); 4 bases into the intron before coding-DNA position 2369 through 3 bases into the intron before coding-DNA position 2369, 2 bases deleted (CC; older notation c.2369-4_2369-3delCC).
Molecular consequence: intron variant.
Genome position (GRCh38, 1-based): chrX:111,730,391-111,730,392, CC deleted; deleting any 2 consecutive bases within chrX:111,730,389-111,730,392 gives the same sequence; the c. name uses the placement nearest the transcript's 3' end. VCF-style (leftmost placement, unchanged base first): chrX-111730388-TCC-T. GRCh37 (hg19) VCF-style: chrX-110973616-TCC-T.
Other names: c.2057-4_2057-3del (NM_001257237.2, NM_001257234.2, NM_001257230.2); c.1883-4_1883-3del (NM_001324293.1); c.2135-4_2135-3del (NM_001257231.2); c.2369-4_2369-3del (NM_001324292.2); c.2369-4_2369-3delCC (NM_001099922.2).
Identifiers: ClinVar variation 421806 (VCV000421806.1), dbSNP rs1064795371, ClinGen allele CA16621182.
Genomic context (GRCh38, chrX:111,730,388, plus strand): 5'-ATTTGGCTCTGCTGAGCTAAAAAGACCTATATAAACACATTTCTTCTGTCTTGTCTTTTT[TCC>T]CCAGGGCGATATCATGAAGAATATCTTTATCGTGCAGGTCAGTAAGATCTAGAAGTGATC-3'